The following is an entry in ClinVar:

NM_001365536.1(SCN9A):c.628G>A (p.Val210Ile)

Gene: SCN9A (sodium voltage-gated channel alpha subunit 9; minus strand). Cytogenetic location: 2q24.3.
Variant type: single nucleotide variant.
Coding change: c.628G>A on transcript NM_001365536.1 (MANE Select); coding-DNA position 628, G replaced by A.
Protein change: p.Val210Ile; replaces valine 210 with isoleucine.
Molecular consequence: missense variant.
Genome position (GRCh38, 1-based): chr2:166,304,298, C>T on the plus strand (G>A on the coding strand, the complement: SCN9A is on the minus strand). VCF-style: chr2-166304298-C-T. GRCh37 (hg19) VCF-style: chr2-167160808-C-T.
Other names: c.628G>A, p.Val210Ile (NM_002977.4); short protein forms V210I.
Identifiers: ClinVar variation 246187 (VCV000246187.12), dbSNP rs200619065, ClinGen allele CA1944743.

ClinVar aggregate classification (germline): Uncertain significance. Review status: criteria provided, multiple submitters, no conflicts (2 of 4 stars). 2 submissions from 2 submitters: Uncertain significance (2). Last evaluated 2024-10-22.

Conditions:
Neuropathy, hereditary sensory and autonomic, type 2A (HSAN2A). Also called: ACROOSTEOLYSIS, GIACCAI TYPE; ACROOSTEOLYSIS, NEUROGENIC; MORVAN DISEASE; NEUROPATHY, CONGENITAL SENSORY; NEUROPATHY, HEREDITARY SENSORY RADICULAR, AUTOSOMAL RECESSIVE; NEUROPATHY, HEREDITARY SENSORY, TYPE IIA. Identifiers: Orphanet 970, MedGen C2752089, MONDO:0024309, OMIM 201300.
Generalized epilepsy with febrile seizures plus, type 7 (GEFSP7). Also called: GEFS+, TYPE 7. Identifiers: Orphanet 36387, MedGen C2751778, MONDO:0013470, OMIM 613863.

Allele frequency attached by ClinVar (database versions not stated): ExAC 0.00001; gnomAD 0.00001; gnomAD exomes 0.00002; TOPMed 0.00002.
gnomAD v4.1: 24 of 1,613,252 alleles (0.0015%); highest among the groups gnomAD compares: Non-Finnish European, 0.002%; no homozygotes.

Submissions (2):

Labcorp Genetics (formerly Invitae), Labcorp
Classification: Uncertain significance for Neuropathy, hereditary sensory and autonomic, type 2A; Generalized epilepsy with febrile seizures plus, type 7. Last evaluated: 2024-10-22. Review status: criteria provided, single submitter. Criteria: Invitae Variant Classification Sherloc (09022015). Collection method: clinical testing. Allele origin: germline.
Comment: This sequence change replaces valine, which is neutral and non-polar, with isoleucine, which is neutral and non-polar, at codon 210 of the SCN9A protein (p.Val210Ile). This variant is present in population databases (rs200619065, gnomAD 0.004%). This missense change has been observed in individual(s) with clinical features of SCN9A-related clinical conditions (internal data). ClinVar contains an entry for this variant (Variation ID: 246187). Invitae Evidence Modeling of protein sequence and biophysical properties (such as structural, functional, and spatial information, amino acid conservation, physicochemical variation, residue mobility, and thermodynamic stability) indicates that this missense variant is not expected to disrupt SCN9A protein function with a negative predictive value of 95%. In summary, the available evidence is currently insufficient to determine the role of this variant in disease. Therefore, it has been classified as a Variant of Uncertain Significance.

GeneDx
Classification: Uncertain significance. Last evaluated: 2015-12-10. Review status: criteria provided, single submitter. Criteria: GeneDx Variant Classification (06012015). Collection method: clinical testing. Allele origin: germline. Affected: yes.
Comment: The V210I variant has not been published as a pathogenic variant, nor has it been reported as a benign variant to our knowledge. It was not observed in approximately 6,500 individuals of European and African American ancestry in the NHLBI Exome Sequencing Project, indicating it is not a common benign variant in these populations. The V210I variant is a conservative amino acid substitution, which is not likely to impact secondary protein structure as these residues share similar properties. This substitution occurs at a position where amino acids with similar properties to Valine are tolerated across species. In silico analysis is inconsistent in its predictions as to whether or not the variant is damaging to the protein structure/function. Therefore, based on the currently available information, it is unclear whether this variant is a pathogenic variant or a rare benign variant.